The following is an entry in ClinVar:

ClinVar aggregate classification (germline): Likely benign. Review status: criteria provided, multiple submitters, no conflicts (2 of 4 stars). 3 submissions from 3 submitters: Likely benign (3). Last evaluated 2025-10-25.

Conditions:
CYP4V2-related disorder. Also called: CYP4V2-related disorders; CYP4V2-related condition.

Allele frequency attached by ClinVar (database versions not stated): gnomAD exomes below 0.00001 and 0.00001; ExAC 0.00001; gnomAD 0.00001; TOPMed 0.00002.
gnomAD v4.1: 10 of 1,613,974 alleles (0.00062%); highest among the groups gnomAD compares: Admixed American, 0.012%; no homozygotes.

Submissions (3):

Labcorp Genetics (formerly Invitae), Labcorp
Classification: Likely benign. Last evaluated: 2025-10-25. Review status: criteria provided, single submitter. Criteria: Invitae Variant Classification Sherloc (09022015). Collection method: clinical testing. Allele origin: germline.

PreventionGenetics, part of Exact Sciences
Classification: Likely benign for CYP4V2-related condition. Last evaluated: 2025-05-22. Review status: criteria provided, single submitter. Criteria: ACMG Guidelines, 2015. Collection method: clinical testing. Allele origin: germline.
Comment: This variant is classified as likely benign based on ACMG/AMP sequence variant interpretation guidelines (Richards et al. 2015 PMID: 25741868, with internal and published modifications).

Blueprint Genetics
Classification: Likely benign. Last evaluated: 2024-09-06. Review status: criteria provided, single submitter. Criteria: ACMG Guidelines, 2015. Collection method: clinical testing. Allele origin: germline.

NM_207352.4(CYP4V2):c.1563T>C (p.Asn521=)

Gene: CYP4V2 (cytochrome P450 family 4 subfamily V member 2; plus strand). Cytogenetic location: 4q35.2.
Variant type: single nucleotide variant.
Coding change: c.1563T>C on transcript NM_207352.4 (MANE Select); coding-DNA position 1563, T replaced by C.
Protein change: p.Asn521=; no amino-acid change (asparagine 521 retained).
Molecular consequence: synonymous variant.
Genome position (GRCh38, 1-based): chr4:186,210,626, T>C. VCF-style: chr4-186210626-T-C. GRCh37 (hg19) VCF-style: chr4-187131780-T-C.
Identifiers: ClinVar variation 745048 (VCV000745048.10), dbSNP rs770469863, ClinGen allele CA3162894.